The following is an entry in ClinVar:

ClinVar aggregate classification (germline): Benign (1 of 4 stars; one submission).

Conditions:
Familial cancer of breast. Also called: hereditary breast carcinoma; Hereditary breast cancer; BREAST CANCER, FAMILIAL. Identifiers: Orphanet 227535, MedGen C0346153, MONDO:0016419, OMIM 114480. Disease mechanism: loss of function.

Submission:

Myriad Genetics, Inc.
Classification: Benign for Familial cancer of breast. Last evaluated: 2024-07-30. Review status: criteria provided, single submitter. Criteria: Myriad Autosomal Dominant, Autosomal Recessive and X-Linked Classification Criteria (2023). Collection method: clinical testing. Allele origin: unknown.
Comment: This variant is considered benign. This variant is a silent/synonymous amino acid change and it is not expected to impact splicing.

NM_000465.4(BARD1):c.2214C>T (p.Ile738=)

Gene: BARD1 (BRCA1 associated RING domain 1; minus strand). Cytogenetic location: 2q35.
Variant type: single nucleotide variant.
Coding change: c.2214C>T on transcript NM_000465.4 (MANE Select); coding-DNA position 2214, C replaced by T.
Protein change: p.Ile738=; no amino-acid change (isoleucine 738 retained).
Molecular consequence: synonymous variant. On other transcripts: non-coding transcript variant (3).
Genome position (GRCh38, 1-based): chr2:214,728,796, G>A on the plus strand (C>T on the coding strand, the complement: BARD1 is on the minus strand). VCF-style: chr2-214728796-G-A. GRCh37 (hg19) VCF-style: chr2-215593520-G-A.
Other names: c.2157C>T, p.Ile719= (NM_001282543.2); c.861C>T, p.Ile287= (NM_001282545.2); c.804C>T, p.Ile268= (NM_001282548.2); c.675C>T, p.Ile225= (NM_001282549.2).
Identifiers: ClinVar variation 3379305 (VCV003379305.1).